The following is an entry in ClinVar:

ClinVar aggregate classification (germline): Likely benign. Review status: criteria provided, multiple submitters, no conflicts (2 of 4 stars). 3 submissions from 3 submitters: Likely benign (2). 1 of the submissions does not count toward it. Last evaluated 2026-01-26.

Conditions:
IL12RB2-related disorder. Also called: IL12RB2-related condition.

Allele frequency attached by ClinVar (database versions not stated): ESP Exome Variant Server 0.00008; gnomAD 0.00009; TOPMed 0.00013; gnomAD exomes 0.00016 and 0.00024; ExAC 0.00020.
gnomAD v4.1: 306 of 1,379,176 alleles (0.022%); highest among the groups gnomAD compares: Non-Finnish European, 0.03%; no homozygotes.

Submissions (3):

Labcorp Genetics (formerly Invitae), Labcorp
Classification: Likely benign. Last evaluated: 2026-01-26. Review status: criteria provided, single submitter. Criteria: Invitae Variant Classification Sherloc (09022015). Collection method: clinical testing. Allele origin: germline.

Blueprint Genetics
Classification: Likely benign. Last evaluated: 2024-10-08. Review status: criteria provided, single submitter. Criteria: ACMG Guidelines, 2015. Collection method: clinical testing. Allele origin: germline.

PreventionGenetics, part of Exact Sciences
Classification: Likely benign for IL12RB2-related condition. Last evaluated: 2019-03-13. Review status: no assertion criteria provided. Collection method: clinical testing. Allele origin: germline. Not counted in ClinVar's aggregate classification.
Comment: This variant is classified as likely benign based on ACMG/AMP sequence variant interpretation guidelines (Richards et al. 2015 PMID: 25741868, with internal and published modifications).

NM_001374259.2(IL12RB2):c.2007A>G (p.Pro669=)

Gene: IL12RB2 (interleukin 12 receptor subunit beta 2; plus strand). Cytogenetic location: 1p31.3.
Variant type: single nucleotide variant.
Coding change: c.2007A>G on transcript NM_001374259.2 (MANE Select); coding-DNA position 2007, A replaced by G.
Protein change: p.Pro669=; no amino-acid change (proline 669 retained).
Molecular consequence: synonymous variant. On other transcripts: non-coding transcript variant (2), intron variant (3).
Genome position (GRCh38, 1-based): chr1:67,390,089, A>G. VCF-style: chr1-67390089-A-G. GRCh37 (hg19) VCF-style: chr1-67855772-A-G.
Other names: c.1749A>G, p.Pro583= (NM_001258215.1); c.2007A>G, p.Pro669= (NM_001559.3); c.1946+3420A>G (NM_001258214.1, NM_001319233.1); c.1856-5458A>G (NM_001258216.1); c.2007A>G (NM_001559.2).
Identifiers: ClinVar variation 1577752 (VCV001577752.11), dbSNP rs199946237, ClinGen allele CA900631.